The following is an entry in ClinVar:

NM_002528.7(NTHL1):c.577G>A (p.Gly193Ser)

Gene: NTHL1 (nth like DNA glycosylase 1; minus strand). Cytogenetic location: 16p13.3.
Variant type: single nucleotide variant.
Coding change: c.577G>A on transcript NM_002528.7 (MANE Select); coding-DNA position 577, G replaced by A.
Protein change: p.Gly193Ser; replaces glycine 193 with serine.
Molecular consequence: missense variant.
Genome position (GRCh38, 1-based): chr16:2,043,675, C>T on the plus strand (G>A on the coding strand, the complement: NTHL1 is on the minus strand). VCF-style: chr16-2043675-C-T. GRCh37 (hg19) VCF-style: chr16-2093676-C-T.
Other names: c.577G>A, p.Gly193Ser (LRG_1366t1); c.406G>A, p.Gly136Ser (NM_001318193.2); c.247G>A, p.Gly83Ser (NM_001318194.2); short protein forms G83S, G193S, G136S.
Identifiers: ClinVar variation 660395 (VCV000660395.33), dbSNP rs200007034, ClinGen allele CA7828199.
Genomic context (GRCh38, chr16:2,043,675, plus strand): 5'-TCTTGGGCCCAACACCCGGCAGCGCCACCAGCTCGGCCACAGAGGCTGGGATGTCCCCAC[C>T]GTAGTGCTGCTGCAGGATGGCGCTGGTCTGCTTGATGTATTTCACCTTGCTCTGAAAGAC-3'
Protein context (NP_002519.2, residues 183-203): QTSAILQQHY[Gly193Ser]GDIPASVAEL

ClinVar aggregate classification (germline): Conflicting classifications of pathogenicity. Review status: criteria provided, conflicting classifications (1 of 4 stars). 8 submissions from 8 submitters: Uncertain significance (7); Likely benign (1). Last evaluated 2026-01-12.

Conditions:
Hereditary cancer-predisposing syndrome. Also called: Hereditary neoplastic syndrome; Hereditary Cancer Syndrome; Tumor predisposition; Neoplastic Syndromes, Hereditary. Identifiers: Orphanet 140162, MedGen C0027672, MeSH D009386, MONDO:0015356.
Familial adenomatous polyposis 3. Also called: NTHL1-related attenuated familial adenomatous polyposis; NTHL1-Related Adenomatous Polyposis and Colorectal Cancer; NTHL1 Tumor Syndrome; NTHL1-associated polyposis. Identifiers: Orphanet 220460, Orphanet 454840, MedGen C4225157, MONDO:0014630, OMIM 616415.

Allele frequency attached by ClinVar (database versions not stated): TOPMed 0.00002; gnomAD 0.00003; gnomAD exomes 0.00003; ExAC 0.00006; 1000 Genomes Project 30x 0.00016; 1000 Genomes Project 0.00020.
gnomAD v4.1: 55 of 1,612,182 alleles (0.0034%); highest among the groups gnomAD compares: Middle Eastern, 0.082%; no homozygotes.

Submissions (8):

Labcorp Genetics (formerly Invitae), Labcorp
Classification: Uncertain significance. Last evaluated: 2026-01-12. Review status: criteria provided, single submitter. Criteria: Invitae Variant Classification Sherloc (09022015). Collection method: clinical testing. Allele origin: germline.
Comment: This sequence change replaces glycine, which is neutral and non-polar, with serine, which is neutral and polar, at codon 201 of the NTHL1 protein (p.Gly201Ser). This variant is present in population databases (rs200007034, gnomAD 0.006%). This variant has not been reported in the literature in individuals affected with NTHL1-related conditions. ClinVar contains an entry for this variant (Variation ID: 660395). An algorithm developed to predict the effect of missense changes on protein structure and function (PolyPhen-2) suggests that this variant is likely to be tolerated. In summary, the available evidence is currently insufficient to determine the role of this variant in disease. Therefore, it has been classified as a Variant of Uncertain Significance.

Ambry Genetics
Classification: Likely benign for Hereditary cancer-predisposing syndrome. Last evaluated: 2025-03-27. Review status: criteria provided, single submitter. Criteria: Ambry Variant Classification Scheme 2023. Collection method: clinical testing. Allele origin: germline.

Center for Genomic Medicine, Rigshospitalet, Copenhagen University Hospital
Classification: Uncertain significance. Last evaluated: 2025-03-04. Review status: criteria provided, single submitter. Criteria: ACMG Guidelines, 2015. Collection method: clinical testing. Allele origin: germline.

Quest Diagnostics Nichols Institute San Juan Capistrano
Classification: Uncertain significance. Last evaluated: 2024-11-19. Review status: criteria provided, single submitter. Criteria: Quest Diagnostics criteria. Collection method: clinical testing. Allele origin: unknown.
Comment: The NTHL1 c.601G>A (p.Gly201Ser) variant (also known as c.577G>A (p.Gly193Ser) in NM_002528.7) has been reported in the published literature in individuals with breast cancer (PMID: 33980861 (2021)) and melanoma (PMID: 29641532 (2018)). The frequency of this variant in the general population, 0.000085 (3/35392 chromosomes (Genome Aggregation Database)), is uninformative in the assessment of its pathogenicity. Analysis of this variant using bioinformatics tools for the prediction of the effect of amino acid changes on protein structure and function yielded predictions that this variant is benign. Based on the available information, we are unable to determine the clinical significance of this variant.

Blueprint Genetics
Classification: Uncertain significance. Last evaluated: 2024-11-05. Review status: criteria provided, single submitter. Criteria: ACMG Guidelines, 2015. Collection method: clinical testing. Allele origin: germline.

Baylor Genetics
Classification: Uncertain significance for Familial adenomatous polyposis 3. Last evaluated: 2024-03-09. Review status: criteria provided, single submitter. Criteria: ACMG Guidelines, 2015. Collection method: clinical testing. Allele origin: unknown.

St. Jude Molecular Pathology, St. Jude Children's Research Hospital
Classification: Uncertain significance for Familial adenomatous polyposis 3. Last evaluated: 2023-01-10. Review status: criteria provided, single submitter. Criteria: St. Jude Assertion Criteria 2020. Collection method: clinical testing. Allele origin: germline.
Comment: The NTHL1 c.577G>A (p.Gly193Ser) missense change is absent in gnomAD v2.1.1. The in silico tool REVEL predicts a benign effect of this variant on protein function, but to our knowledge functional studies have not been performed. To our knowledge, this variant has not been reported in individuals with NTHL1-associated polyposis. In summary, the evidence currently available is insufficient to determine the clinical significance of this variant. It has therefore been classified as of uncertain significance.

GeneDx
Classification: Uncertain significance. Last evaluated: 2022-10-14. Review status: criteria provided, single submitter. Criteria: GeneDx Variant Classification Process June 2021. Collection method: clinical testing. Allele origin: germline. Affected: yes.
Comment: Not observed at significant frequency in large population cohorts (gnomAD); In silico analysis supports that this missense variant does not alter protein structure/function; Observed in individuals with breast cancer, melanoma, and other cancers in published literature (Pritchard et al., 2018; Li et al., 2021); This variant is associated with the following publications: (PMID: 29641532, 33980861)

Literature cited by the submitters: PubMed 29641532 (cited by Ambry Genetics and Quest Diagnostics Nichols Institute San Juan Capistrano); PubMed 33980861 (cited by 3 submitters).